The following is an entry in ClinVar:

NM_003640.5(ELP1):c.-64_-63delinsCCGGACGC

Gene: ELP1 (elongator acetyltransferase complex subunit 1; minus strand). Cytogenetic location: 9q31.3.
Variant type: Indel.
Coding change: c.-64_-63delinsCCGGACGC on transcript NM_003640.5 (MANE Select); 64 bases upstream of the start codon through 63 bases upstream of the start codon, GG replaced by CCGGACGC.
Molecular consequence: 5 prime UTR variant.
Genome position (GRCh38, 1-based): chr9:108,933,871-108,933,872, CC replaced by GCGTCCGG on the plus strand (GG replaced by CCGGACGC on the coding strand, the reverse complement: ELP1 is on the minus strand). VCF-style: chr9-108933871-CC-GCGTCCGG. GRCh37 (hg19) VCF-style: chr9-111696151-CC-GCGTCCGG.
Other names: c.-261_-260delinsCCGGACGC (NM_001318360.2); c.-923_-922delinsCCGGACGC (NM_001330749.2).
Identifiers: ClinVar variation 5004711 (VCV005004711.1).

ClinVar aggregate classification (germline): Uncertain significance (1 of 4 stars; one submission).

Conditions:
Familial dysautonomia. Also called: FD; HSAN III. Identifiers: Orphanet 1764, MedGen C0013364, MONDO:0009131, OMIM 223900. Disease mechanism: loss of function.

Submission:

Myriad Genetics, Inc.
Classification: Uncertain significance for Familial dysautonomia. Last evaluated: 2026-06-03. Review status: criteria provided, single submitter. Criteria: Myriad Autosomal Dominant, Autosomal Recessive and X-Linked Classification Criteria (2023). Collection method: clinical testing. Allele origin: unknown.
Comment: NM_003640.3(ELP1):c.-64_-63del2ins8 is a 5' non-coding variant classified as a variant of uncertain significance in the context of familial dysautonomia. c.-64_-63del2ins8 has not been observed in cases with relevant disease. Relevant functional assessments of this variant are not available in the literature. c.-64_-63del2ins8 has not been observed in referenced population frequency databases. In summary, there is insufficient evidence to classify NM_003640.3(ELP1):c.-64_-63del2ins8 as pathogenic or benign. Please note: this variant was assessed in the context of healthy population screening.